The following is an entry in ClinVar:

NM_001134407.3(GRIN2A):c.2011_2012del (p.Gln671fs)

Gene: GRIN2A (glutamate ionotropic receptor NMDA type subunit 2A; minus strand). Cytogenetic location: 16p13.2.
Variant type: Deletion.
Coding change: c.2011_2012del on transcript NM_001134407.3 (MANE Select); coding-DNA positions 2011 to 2012, 2 bases deleted (CA; older notation c.2011_2012delCA).
Protein change: p.Gln671fs; shifts the reading frame from glutamine 671.
Molecular consequence: frameshift variant.
Genome position (GRCh38, 1-based): chr16:9,822,420-9,822,421, TG deleted on the plus strand (CA on the coding strand, the reverse complement: GRIN2A is on the minus strand). VCF-style (leftmost placement, unchanged base first): chr16-9822419-CTG-C. GRCh37 (hg19) VCF-style: chr16-9916276-CTG-C.
Other names: c.2011_2012del, p.Gln671fs (NM_000833.5, NM_001134408.2); short protein forms Q671fs.
Identifiers: ClinVar variation 4796782 (VCV004796782.1).

ClinVar aggregate classification (germline): Likely pathogenic (1 of 4 stars; one submission).

Conditions:
Landau-Kleffner syndrome (FESD). Also called: EPILEPSY, FOCAL, WITH SPEECH DISORDER AND WITH OR WITHOUT MENTAL RETARDATION; APHASIA, ACQUIRED, WITH EPILEPSY. Identifiers: Orphanet 1945, Orphanet 725, Orphanet 98818, MedGen C0282512, MONDO:0009509, OMIM 245570.

Submission:

MVZ Medizinische Genetik Mainz
Classification: Likely pathogenic for Landau-Kleffner syndrome. Last evaluated: 2026-01-23. Review status: criteria provided, single submitter. Criteria: UK Practice Guidelines For Variant Classification V4 01 2020. Collection method: clinical testing. Allele origin: germline. Inheritance: Autosomal dominant inheritance. Affected: yes. Observed: 1 variant allele.
Comment: ACMG Criteria: PVS1,PM2_SUP